The following is an entry in ClinVar:

NM_001447.3(FAT2):c.8921G>A (p.Arg2974His)

Genes: FAT2 (FAT atypical cadherin 2; minus strand), SLC36A1 (solute carrier family 36 member 1; plus strand). Cytogenetic location: 5q33.1.
Variant type: single nucleotide variant.
Coding change: c.8921G>A on transcript NM_001447.3 (MANE Select); coding-DNA position 8921, G replaced by A.
Protein change: p.Arg2974His; replaces arginine 2974 with histidine.
Molecular consequence: missense variant.
Genome position (GRCh38, 1-based): chr5:151,540,685, C>T on the plus strand (G>A on the coding strand, the complement: FAT2 is on the minus strand). VCF-style: chr5-151540685-C-T. GRCh37 (hg19) VCF-style: chr5-150920246-C-T.
Other names: short protein forms R2974H.
Identifiers: ClinVar variation 2200760 (VCV002200760.4), dbSNP rs747745000, ClinGen allele CA3520706.

ClinVar aggregate classification (germline): Uncertain significance (1 of 4 stars; one submission).

Allele frequency attached by ClinVar (database versions not stated): gnomAD exomes 0.00001; ExAC 0.00003; TOPMed 0.00005.
gnomAD v4.1: 26 of 1,614,094 alleles (0.0016%); highest among the groups gnomAD compares: African/African-American, 0.008%; no homozygotes.

Submission:

Labcorp Genetics (formerly Invitae), Labcorp
Classification: Uncertain significance. Last evaluated: 2025-12-01. Review status: criteria provided, single submitter. Criteria: Invitae Variant Classification Sherloc (09022015). Collection method: clinical testing. Allele origin: germline.
Comment: This sequence change replaces arginine, which is basic and polar, with histidine, which is basic and polar, at codon 2974 of the FAT2 protein (p.Arg2974His). This variant is present in population databases (rs747745000, gnomAD 0.007%). This variant has not been reported in the literature in individuals affected with FAT2-related conditions. ClinVar contains an entry for this variant (Variation ID: 2200760). Invitae Evidence Modeling of protein sequence and biophysical properties (such as structural, functional, and spatial information, amino acid conservation, physicochemical variation, residue mobility, and thermodynamic stability) has been performed for this missense variant. However, the output from this modeling did not meet the statistical confidence thresholds required to predict the impact of this variant on FAT2 protein function. In summary, the available evidence is currently insufficient to determine the role of this variant in disease. Therefore, it has been classified as a Variant of Uncertain Significance.